The following is an entry in ClinVar:

NM_000268.4(NF2):c.1540A>G (p.Met514Val)

Gene: NF2 (NF2, moesin-ezrin-radixin like (MERLIN) tumor suppressor; plus strand). Cytogenetic location: 22q12.2.
Variant type: single nucleotide variant.
Coding change: c.1540A>G on transcript NM_000268.4 (MANE Select); coding-DNA position 1540, A replaced by G.
Protein change: p.Met514Val; replaces methionine 514 with valine.
Molecular consequence: missense variant. On other transcripts: non-coding transcript variant (1), intron variant (1).
Genome position (GRCh38, 1-based): chr22:29,678,289, A>G. VCF-style: chr22-29678289-A-G. GRCh37 (hg19) VCF-style: chr22-30074278-A-G.
Other names: c.1540A>G, p.Met514Val (NM_016418.5, NM_181825.3, NM_181832.3); c.1414A>G, p.Met472Val (NM_181828.3); c.1417A>G, p.Met473Val (NM_181829.3); c.1291A>G, p.Met431Val (NM_181830.3, NM_181831.3); c.448-16463A>G (NM_181833.3); short protein forms M514V, M473V, M431V, M472V.
Identifiers: ClinVar variation 201125 (VCV000201125.40), dbSNP rs201527155, ClinGen allele CA021341.

ClinVar aggregate classification (germline): Conflicting classifications of pathogenicity. Review status: criteria provided, conflicting classifications (1 of 4 stars). 17 submissions from 17 submitters: Uncertain significance (12); Benign (2); Likely benign (2). 1 of the submissions does not count toward it. Last evaluated 2026-04-04.

Conditions:
NF2-related disorder. Also called: NF2-related condition.
Hereditary cancer-predisposing syndrome. Also called: Neoplastic Syndromes, Hereditary; Hereditary neoplastic syndrome; Tumor predisposition; Hereditary Cancer Syndrome. Identifiers: Orphanet 140162, MedGen C0027672, MeSH D009386, MONDO:0015356.
Familial meningioma. Also called: Meningioma, familial, susceptibility to. Identifiers: Orphanet 263662, MedGen C3551915, MONDO:0011789, OMIM 607174.
Neurofibromatosis, type 2 (SWNV). Also called: BILATERAL ACOUSTIC NEUROFIBROMATOSIS; NF2-Related Schwannomatosis; SCHWANNOMATOSIS, VESTIBULAR. Identifiers: Orphanet 637, MedGen C0027832, MONDO:0007039, OMIM 101000. Disease mechanism: loss of function.

Allele frequency attached by ClinVar (database versions not stated): gnomAD 0.00009; TOPMed 0.00010; 1000 Genomes Project 30x 0.00047; ESP Exome Variant Server 0.00008; gnomAD exomes 0.00011; ExAC 0.00013; 1000 Genomes Project 0.00040.
gnomAD v4.1: 192 of 1,614,122 alleles (0.012%); highest among the groups gnomAD compares: Non-Finnish European, 0.014%; 1 homozygote.

Submissions 1 to 12 of 17:

Dasa
Classification: Uncertain significance for NF2-related schwannomatosis. Last evaluated: 2026-04-04. Review status: criteria provided, single submitter. Criteria: DASA Assertion Criteria. Collection method: clinical testing. Allele origin: germline.
Comment: NM_000268.4(NF2):c.1540A>G (p.Met514Val) is a missense variant that results in the substitution of methionine with valine. This variant is rare in population databases. Computational prediction algorithms are consistent with a deleterious effect. The currently available literature and clinical evidence are not sufficient to establish a definitive association between this variant and the reported condition. Therefore, this variant is classified as a variant of uncertain significance.

Women's Health and Genetics/Laboratory Corporation of America, LabCorp
Classification: Likely benign. Last evaluated: 2026-03-09. Review status: criteria provided, single submitter. Criteria: LabCorp Variant Classification Summary - May 2015. Collection method: clinical testing. Allele origin: germline.
Comment: Variant summary: NF2 c.1540A>G (p.Met514Val) results in a conservative amino acid change in the encoded protein sequence. Algorithms developed to predict the effect of missense changes on protein structure and function are either unavailable or do not agree on the potential impact of this missense change. The variant allele was found at a frequency of 0.00011 in 251494 control chromosomes. The observed variant frequency exceeds the estimated maximal expected allele frequency for disease-causing variants in NF2. To our knowledge, no experimental evidence demonstrating its impact on protein function have been reported. ClinVar contains an entry for this variant (Variation ID: 201125). Based on the evidence outlined above, the variant was classified as likely benign.

Labcorp Genetics (formerly Invitae), Labcorp
Classification: Likely benign for Neurofibromatosis, type 2. Last evaluated: 2026-01-26. Review status: criteria provided, single submitter. Criteria: Invitae Variant Classification Sherloc (09022015). Collection method: clinical testing. Allele origin: germline.

Clinical Genomics Laboratory, Washington University in St. Louis
Classification: Uncertain significance for Neurofibromatosis, type 2. Last evaluated: 2024-10-15. Review status: criteria provided, single submitter. Criteria: ACMG Guidelines, 2015. Collection method: clinical testing. Allele origin: germline.
Comment: A NF2 c.1540A>G (p.Met514Val) variant was identified at a near heterozygous allelic fraction of 49.18%, a frequency that may be consistent with germline origin. This variant, to our knowledge, has been reported as germline in at least two patients with schwannomas (Louvrier C et al., PMID:29409008). This variant is observed on 192/1614122 alleles in the general population with one homozygote (gnomAD v.4.1.0). This variant has been reported in the ClinVar database a variant of uncertain significance by multiple submitters and as a benign variant by two submitters, in a germline state if known (Clinvar ID: 201125). Computational predictors suggest that the variant may impact NF2 function. Due to limited information and based on ACMG/AMP guidelines for variant interpretation (Richards S et al., PMID: 25741868), the clinical significance of the NF2 c.1540A>G (p.Met514Val) variant is uncertain at this time.

St. Jude Molecular Pathology, St. Jude Children's Research Hospital
Classification: Uncertain significance for Neurofibromatosis, type 2. Last evaluated: 2024-08-13. Review status: criteria provided, single submitter. Criteria: St. Jude Assertion Criteria 2020. Collection method: clinical testing. Allele origin: germline.
Comment: The NF2 c.1540A>G (p.Met514Val) missense change has a maximum subpopulation frequency of 0.01% in gnomAD v2.1.1. The in silico tool REVEL predicts a deleterious effect on protein function. Functional studies suggest that the variant protein alters the in vitro binding to the Hippo signaling pathway proteins, Lats1 and AMOTL1 (PMID: 26045165). This variant has been reported in an individual with bilateral vestibular schwannomas (PMID: 16983642). In summary, the evidence currently available is insufficient to determine the clinical significance of this variant. It has therefore been classified as of uncertain significance.

All of Us Research Program, National Institutes of Health
Classification: Uncertain significance for Neurofibromatosis, type 2. Last evaluated: 2024-07-20. Review status: criteria provided, single submitter. Criteria: ACMG Guidelines, 2015. Collection method: clinical testing. Allele origin: germline. Inheritance: Autosomal dominant inheritance. Observed: 29 variant alleles, 29 heterozygotes.
Comment: This missense variant replaces methionine with valine at codon 514 of the NF2 protein. Computational prediction is inconclusive regarding the impact of this variant on protein structure and function (internally defined REVEL score threshold 0.5 < inconclusive < 0.7, PMID: 27666373). Functional studies reported that the variant protein had impaired in vitro binding to the Hippo signaling pathway proteins, Lats1 and AMOTL1 (PMID: 26045165, 33058421). This variant has not been reported as a germline mutation in individuals affected with hereditary cancer in the literature. This variant has been identified in 28/282872 chromosomes in the general population by the Genome Aggregation Database (gnomAD). The available evidence is insufficient to determine the role of this variant in disease conclusively. Therefore, this variant is classified as a Variant of Uncertain Significance.

This study involves interpretation of variants in research participants for the purpose of population health screening. Participant phenotype was not available at the time of variant classification. Additional details can be found in publication PMID: 35346344, PMCID: PMC8962531

Color Diagnostics, LLC DBA Color Health
Classification: Uncertain significance for Neurofibromatosis, type 2. Last evaluated: 2024-07-10. Review status: criteria provided, single submitter. Criteria: ACMG Guidelines, 2015. Collection method: clinical testing. Allele origin: germline.
Comment: This missense variant replaces methionine with valine at codon 514 of the NF2 protein. Computational prediction is inconclusive regarding the impact of this variant on protein structure and function. Functional studies reported that the variant protein had impaired in vitro binding to the Hippo signaling pathway proteins, Lats1 and AMOTL1 (PMID: 26045165, 33058421). This variant has not been reported as a germline mutation in individuals affected with hereditary cancer in the literature. This variant has been identified in 28/282872 chromosomes in the general population by the Genome Aggregation Database (gnomAD). The available evidence is insufficient to determine the role of this variant in disease conclusively. Therefore, this variant is classified as a Variant of Uncertain Significance.

Baylor Genetics
Classification: Uncertain significance for Familial meningioma. Last evaluated: 2023-10-17. Review status: criteria provided, single submitter. Criteria: ACMG Guidelines, 2015. Collection method: clinical testing. Allele origin: unknown.

Ambry Genetics
Classification: Benign for Hereditary cancer-predisposing syndrome. Last evaluated: 2022-09-27. Review status: criteria provided, single submitter. Criteria: Ambry Variant Classification Scheme 2023. Collection method: clinical testing. Allele origin: germline.

Genome-Nilou Lab
Classification: Uncertain significance for Neurofibromatosis, type 2. Last evaluated: 2021-11-07. Review status: criteria provided, single submitter. Criteria: ACMG Guidelines, 2015. Collection method: clinical testing. Allele origin: germline. Affected: no.

Institute for Clinical Genetics, University Hospital TU Dresden, University Hospital TU Dresden
Classification: Uncertain significance. Last evaluated: 2021-11-03. Review status: criteria provided, single submitter. Criteria: ACMG Guidelines, 2015. Collection method: clinical testing. Allele origin: germline.

Sema4
Classification: Uncertain significance for Hereditary cancer-predisposing syndrome. Last evaluated: 2021-10-22. Review status: criteria provided, single submitter. Criteria: Sema4 Curation Guidelines. Collection method: curation. Allele origin: germline.
Comment: The NF2 c.1540A>G (p.M514V) variant has been reported in at least one individual with bilateral vestibular schwannomas and in an individual with familial breast cancer (PMID: 16983642, 29316957). The variant was observed in 17/129186 chromosomes of the Non-Finnish subpopulation in the large and broad cohorts of the Genome Aggregation Database (PMID: 32461654). It has been reported in ClinVar (Variation ID 201125). A functional study demonstrated the variant to alter the function of the protein (PMID: 26045165). In silico prediction about the impact of the variant on protein function is inconclusive. The evidence is insufficient to meet ACMG/AMP criteria for classifying the variant as benign or pathogenic. Thus, the clinical significance of this variant is currently uncertain.